The following is an entry in ClinVar:

ClinVar aggregate classification (germline): Uncertain significance. Review status: criteria provided, multiple submitters, no conflicts (2 of 4 stars). 3 submissions from 3 submitters: Uncertain significance (3). Last evaluated 2025-11-27.

Conditions:
Global developmental delay - lung cysts - overgrowth - Wilms tumor syndrome. Also called: GLOBAL DEVELOPMENTAL DELAY, LUNG CYSTS, OVERGROWTH, AND WILMS TUMOR; GLOW Syndrome. Identifiers: Orphanet 404476, MedGen C4748924, MONDO:0018445, OMIM 618272.
DICER1-related tumor predisposition. Also called: DICER1 syndrome; DICER1-related pleuropulmonary blastoma cancer predisposition syndrome. Identifiers: Orphanet 284343, MedGen C3839822, MONDO:0100216.
Hereditary cancer-predisposing syndrome. Also called: Hereditary neoplastic syndrome; Tumor predisposition; Neoplastic Syndromes, Hereditary; Hereditary Cancer Syndrome. Identifiers: Orphanet 140162, MedGen C0027672, MeSH D009386, MONDO:0015356.

Allele frequency attached by ClinVar (database versions not stated): TOPMed below 0.00001; gnomAD exomes 0.00001.
gnomAD v4.1: 3 of 1,611,812 alleles (0.00019%); highest among the groups gnomAD compares: East Asian, 0.0067%; no homozygotes.

Submissions (3):

Labcorp Genetics (formerly Invitae), Labcorp
Classification: Uncertain significance for DICER1-related tumor predisposition. Last evaluated: 2025-11-27. Review status: criteria provided, single submitter. Criteria: Invitae Variant Classification Sherloc (09022015). Collection method: clinical testing. Allele origin: germline.
Comment: This sequence change replaces glutamic acid, which is acidic and polar, with aspartic acid, which is acidic and polar, at codon 1444 of the DICER1 protein (p.Glu1444Asp). This variant is present in population databases (no rsID available, gnomAD 0.02%). This variant has not been reported in the literature in individuals affected with DICER1-related conditions. ClinVar contains an entry for this variant (Variation ID: 957097). Invitae Evidence Modeling of protein sequence and biophysical properties (such as structural, functional, and spatial information, amino acid conservation, physicochemical variation, residue mobility, and thermodynamic stability) indicates that this missense variant is not expected to disrupt DICER1 protein function with a negative predictive value of 95%. In summary, the available evidence is currently insufficient to determine the role of this variant in disease. Therefore, it has been classified as a Variant of Uncertain Significance.

Ambry Genetics
Classification: Uncertain significance for Hereditary cancer-predisposing syndrome. Last evaluated: 2024-03-29. Review status: criteria provided, single submitter. Criteria: Ambry Variant Classification Scheme 2023. Collection method: clinical testing. Allele origin: germline.
Comment: The p.E1444D variant (also known as c.4332G>C), located in coding exon 22 of the DICER1 gene, results from a G to C substitution at nucleotide position 4332. The glutamic acid at codon 1444 is replaced by aspartic acid, an amino acid with highly similar properties. This amino acid position is highly conserved in available vertebrate species. In addition, the in silico prediction for this alteration is inconclusive. Since supporting evidence is limited at this time, the clinical significance of this alteration remains unclear.

Baylor Genetics
Classification: Uncertain significance for Global developmental delay - lung cysts - overgrowth - Wilms tumor syndrome. Last evaluated: 2024-03-27. Review status: criteria provided, single submitter. Criteria: ACMG Guidelines, 2015. Collection method: clinical testing. Allele origin: unknown.

NM_177438.3(DICER1):c.4332G>C (p.Glu1444Asp)

Gene: DICER1 (dicer 1, ribonuclease III; minus strand). Cytogenetic location: 14q32.13.
Variant type: single nucleotide variant.
Coding change: c.4332G>C on transcript NM_177438.3 (MANE Select); coding-DNA position 4332, G replaced by C.
Protein change: p.Glu1444Asp; replaces glutamic acid 1444 with aspartic acid.
Molecular consequence: missense variant.
Genome position (GRCh38, 1-based): chr14:95,096,588, C>G on the plus strand (G>C on the coding strand, the complement: DICER1 is on the minus strand). VCF-style: chr14-95096588-C-G. GRCh37 (hg19) VCF-style: chr14-95562925-C-G.
Other names: c.4332G>C, p.Glu1444Asp (NM_001195573.1, NM_001271282.3, NM_001291628.2 and 1 more transcripts); short protein forms E1444D.
Identifiers: ClinVar variation 957097 (VCV000957097.13), dbSNP rs1367487931, ClinGen allele CA390869295.